The following is an entry in ClinVar:

NM_004304.5(ALK):c.1095G>A (p.Leu365=)

Gene: ALK (ALK receptor tyrosine kinase; minus strand). Cytogenetic location: 2p23.2.
Variant type: single nucleotide variant.
Coding change: c.1095G>A on transcript NM_004304.5 (MANE Select); coding-DNA position 1095, G replaced by A.
Protein change: p.Leu365=; no amino-acid change (leucine 365 retained).
Molecular consequence: synonymous variant.
Genome position (GRCh38, 1-based): chr2:29,531,974, C>T on the plus strand (G>A on the coding strand, the complement: ALK is on the minus strand). VCF-style: chr2-29531974-C-T. GRCh37 (hg19) VCF-style: chr2-29754840-C-T.
Identifiers: ClinVar variation 822156 (VCV000822156.32), dbSNP rs1313071479, ClinGen allele CA425517457.

ClinVar aggregate classification (germline): Likely benign. Review status: criteria provided, multiple submitters, no conflicts (2 of 4 stars). 3 submissions from 3 submitters: Likely benign (3). Last evaluated 2025-10-18.

Conditions:
Hereditary cancer-predisposing syndrome. Also called: Tumor predisposition; Hereditary neoplastic syndrome; Neoplastic Syndromes, Hereditary; Hereditary Cancer Syndrome. Identifiers: Orphanet 140162, MedGen C0027672, MeSH D009386, MONDO:0015356.
Neuroblastoma, susceptibility to, 3. Also called: ALK-Related Neuroblastic Tumor Susceptibility. Identifiers: Orphanet 635, MedGen C2751681, MONDO:0013083, OMIM 613014.

Allele frequency attached by ClinVar (database versions not stated): TOPMed below 0.00001; gnomAD 0.00003.
gnomAD v4.1: 2 of 1,614,162 alleles (0.00012%); highest among the groups gnomAD compares: Non-Finnish European, 0.000085%; no homozygotes.

Submissions (3):

Labcorp Genetics (formerly Invitae), Labcorp
Classification: Likely benign for Neuroblastoma, susceptibility to, 3. Last evaluated: 2025-10-18. Review status: criteria provided, single submitter. Criteria: Invitae Variant Classification Sherloc (09022015). Collection method: clinical testing. Allele origin: germline.

CeGaT Center for Human Genetics Tuebingen
Classification: Likely benign. Last evaluated: 2024-05-01. Review status: criteria provided, single submitter. Criteria: CeGaT Center For Human Genetics Tuebingen Variant Classification Criteria Version 2. Collection method: clinical testing. Allele origin: germline. Affected: yes. Observed: 2 variant alleles.
Comment: ALK: PM2:Supporting, BP4, BP7

Ambry Genetics
Classification: Likely benign for Hereditary cancer-predisposing syndrome. Last evaluated: 2018-10-31. Review status: criteria provided, single submitter. Criteria: Ambry Variant Classification Scheme 2023. Collection method: clinical testing. Allele origin: germline.